The following is an entry in ClinVar:

ClinVar aggregate classification (germline): Uncertain significance (1 of 4 stars; one submission).

Submission:

GeneDx
Classification: Uncertain significance. Last evaluated: 2019-08-10. Review status: criteria provided, single submitter. Criteria: GeneDx Variant Classification Process June 2021. Collection method: clinical testing. Allele origin: germline. Affected: yes.
Comment: Not observed in large population cohorts (Lek et al., 2016); In silico analysis, which includes protein predictors and evolutionary conservation, supports that this variant does not alter protein structure/function; Has not been previously published as pathogenic or benign to our knowledge

NM_001377229.1(DISP1):c.2549G>C (p.Ser850Thr)

Gene: DISP1 (dispatched RND transporter family member 1; plus strand). Cytogenetic location: 1q41.
Variant type: single nucleotide variant.
Coding change: c.2549G>C on transcript NM_001377229.1 (MANE Select); coding-DNA position 2549, G replaced by C.
Protein change: p.Ser850Thr; replaces serine 850 with threonine.
Molecular consequence: missense variant.
Genome position (GRCh38, 1-based): chr1:223,003,946, G>C. VCF-style: chr1-223003946-G-C. GRCh37 (hg19) VCF-style: chr1-223177288-G-C.
Other names: c.1820G>C, p.Ser607Thr (NM_001350630.2); c.2549G>C, p.Ser850Thr (NM_001369594.1, NM_001377228.1, NM_032890.5); short protein forms S607T, S850T.
Identifiers: ClinVar variation 1307751 (VCV001307751.2), dbSNP rs879871612, ClinGen allele CA344682099.